The following is an entry in ClinVar:

ClinVar aggregate classification (germline): Uncertain significance. Review status: criteria provided, multiple submitters, no conflicts (2 of 4 stars). 2 submissions from 2 submitters: Uncertain significance (2). Last evaluated 2026-09-15.

Conditions:
VPS13B-related disorder. Also called: VPS13B-related condition.
Cohen syndrome (COH1). Also called: PEPPER SYNDROME; Cutis verticis gyrata, retinitis pigmentosa, and sensorineural deafness. Identifiers: Orphanet 193, MedGen C0265223, MONDO:0008999, OMIM 216550.

Allele frequency attached by ClinVar (database versions not stated): gnomAD exomes below 0.00001; TOPMed below 0.00001.
gnomAD v4.1: 2 of 1,613,520 alleles (0.00012%); highest among the groups gnomAD compares: Non-Finnish European, 0.00017%; no homozygotes.

Submissions (2):

PreventionGenetics, part of Exact Sciences
Classification: Uncertain significance for VPS13B-related condition. Last evaluated: 2026-09-15. Review status: criteria provided, single submitter. Criteria: ACMG Guidelines, 2015. Collection method: clinical testing. Allele origin: germline.
Comment: The VPS13B c.5911C>T variant is predicted to result in the amino acid substitution p.Pro1971Ser. To our knowledge, this variant has not been reported in the literature or in a large population database (gnomAD), indicating this variant is rare. At this time, the clinical significance of this variant is uncertain due to the absence of conclusive functional and genetic evidence.

Labcorp Genetics (formerly Invitae), Labcorp
Classification: Uncertain significance for Cohen syndrome. Last evaluated: 2022-05-04. Review status: criteria provided, single submitter. Criteria: Invitae Variant Classification Sherloc (09022015). Collection method: clinical testing. Allele origin: germline.
Comment: This sequence change replaces proline, which is neutral and non-polar, with serine, which is neutral and polar, at codon 1996 of the VPS13B protein (p.Pro1996Ser). This variant is not present in population databases (gnomAD no frequency). This variant has not been reported in the literature in individuals affected with VPS13B-related conditions. Algorithms developed to predict the effect of missense changes on protein structure and function output the following: SIFT: "Not Available"; PolyPhen-2: "Benign"; Align-GVGD: "Not Available". The serine amino acid residue is found in multiple mammalian species, which suggests that this missense change does not adversely affect protein function. In summary, the available evidence is currently insufficient to determine the role of this variant in disease. Therefore, it has been classified as a Variant of Uncertain Significance.

NM_152564.5(VPS13B):c.5911C>T (p.Pro1971Ser)

Gene: VPS13B (vacuolar protein sorting 13 homolog B; plus strand). Cytogenetic location: 8q22.2.
Variant type: single nucleotide variant.
Coding change: c.5911C>T on transcript NM_152564.5 (MANE Select); coding-DNA position 5911, C replaced by T.
Protein change: p.Pro1971Ser; replaces proline 1971 with serine.
Molecular consequence: missense variant.
Genome position (GRCh38, 1-based): chr8:99,661,356, C>T. VCF-style: chr8-99661356-C-T. GRCh37 (hg19) VCF-style: chr8-100673584-C-T.
Other names: c.5986C>T, p.Pro1996Ser (NM_017890.5); short protein forms P1996S, P1971S.
Identifiers: ClinVar variation 1974814 (VCV001974814.3), dbSNP rs1830217352, ClinGen allele CA371868718.